The following is an entry in ClinVar:

ClinVar aggregate classification (germline): Uncertain significance. Review status: criteria provided, multiple submitters, no conflicts (2 of 4 stars). 2 submissions from 2 submitters: Uncertain significance (2). Last evaluated 2019-02-12.

Conditions:
Charcot-Marie-Tooth disease type 2. Also called: Charcot-Marie-Tooth type 2. Identifiers: Orphanet 64746, MedGen C0270914, MONDO:0018993.
Hereditary motor and sensory neuropathy with optic atrophy. Also called: CHARCOT-MARIE-TOOTH DISEASE, TYPE 6; PERIPHERAL NEUROPATHY AND OPTIC ATROPHY. Identifiers: Orphanet 90120, MedGen C0393807, MONDO:0019551.

Allele frequency attached by ClinVar (database versions not stated): ExAC 0.00001; gnomAD 0.00001; 1000 Genomes Project 30x 0.00016; 1000 Genomes Project 0.00020; TOPMed 0.00001.
gnomAD v4.1: 8 of 1,610,956 alleles (0.0005%); highest among the groups gnomAD compares: East Asian, 0.0022%; no homozygotes.

Submissions (2):

Centre for Mendelian Genomics, University Medical Centre Ljubljana
Classification: Uncertain significance for Neuropathy, hereditary motor and sensory, type 6A. Last evaluated: 2019-02-12. Review status: criteria provided, single submitter. Criteria: ACMG Guidelines, 2015. Collection method: clinical testing. Allele origin: unknown. Affected: yes.
Comment: This variant was classified as: Uncertain significance. The available evidence on this variant's pathogenicity is insufficient or conflicting. The following ACMG criteria were applied in classifying this variant: PP3.

Labcorp Genetics (formerly Invitae), Labcorp
Classification: Uncertain significance for Charcot-Marie-Tooth disease type 2. Last evaluated: 2018-10-05. Review status: criteria provided, single submitter. Criteria: Invitae Variant Classification Sherloc (09022015). Collection method: clinical testing. Allele origin: germline.
Comment: This sequence change replaces valine with isoleucine at codon 620 of the MFN2 protein (p.Val620Ile). The valine residue is highly conserved and there is a small physicochemical difference between valine and isoleucine. This variant is present in population databases (rs200936779, ExAC 0.02%). This variant has not been reported in the literature in individuals with MFN2-related disease. Algorithms developed to predict the effect of missense changes on protein structure and function do not agree on the potential impact of this missense change (SIFT: "Tolerated"; PolyPhen-2: "Possibly Damaging"; Align-GVGD: "Class C0"). In summary, the available evidence is currently insufficient to determine the role of this variant in disease. Therefore, it has been classified as a Variant of Uncertain Significance.

NM_014874.4(MFN2):c.1858G>A (p.Val620Ile)

Gene: MFN2 (mitofusin 2; plus strand). Cytogenetic location: 1p36.22.
Variant type: single nucleotide variant.
Coding change: c.1858G>A on transcript NM_014874.4 (MANE Select); coding-DNA position 1858, G replaced by A.
Protein change: p.Val620Ile; replaces valine 620 with isoleucine.
Molecular consequence: missense variant.
Genome position (GRCh38, 1-based): chr1:12,006,679, G>A. VCF-style: chr1-12006679-G-A. GRCh37 (hg19) VCF-style: chr1-12066736-G-A.
Other names: c.1858G>A, p.Val620Ile (NM_001127660.2); short protein forms V620I.
Identifiers: ClinVar variation 543176 (VCV000543176.14), dbSNP rs200936779, ClinGen allele CA599235.
Genomic context (GRCh38, chr1:12,006,679, plus strand): 5'-ATGGTTTCCATGGTTACCGGCCTGGCCTCCTTGACATCCAGGACCTCCATGGGCATTCTT[G>A]TTGTTGGAGGAGTGGTCAGTGACCAGTTCTGCTCGGGAAGGTGGGGGCGGAGGGCAGGTG-3'
Protein context (NP_055689.1, residues 610-630): LTSRTSMGIL[Val620Ile]VGGVVWKAVG